The following is an entry in ClinVar:

ClinVar aggregate classification (germline): Uncertain significance. Review status: criteria provided, multiple submitters, no conflicts (2 of 4 stars). 2 submissions from 2 submitters: Uncertain significance (2). Last evaluated 2026-01-16.

Conditions:
Inborn genetic diseases. Identifiers: MedGen C0950123, MeSH D030342.

Submissions (2):

GeneDx
Classification: Uncertain significance. Last evaluated: 2026-01-16. Review status: criteria provided, single submitter. Criteria: GeneDx Variant Classification Process June 2021. Collection method: clinical testing. Allele origin: germline. Affected: yes.
Comment: Not observed at significant frequency in large population cohorts (gnomAD); In silico analysis supports that this missense variant has a deleterious effect on protein structure/function; Has not been previously published as pathogenic or benign to our knowledge

Ambry Genetics
Classification: Uncertain significance for Inborn genetic diseases. Last evaluated: 2025-11-26. Review status: criteria provided, single submitter. Criteria: Ambry Variant Classification Scheme 2023. Collection method: clinical testing. Allele origin: germline.

NM_001127222.2(CACNA1A):c.785A>C (p.Asp262Ala)

Gene: CACNA1A (calcium voltage-gated channel subunit alpha1 A; minus strand). Cytogenetic location: 19p13.13.
Variant type: single nucleotide variant.
Coding change: c.785A>C on transcript NM_001127222.2 (MANE Select); coding-DNA position 785, A replaced by C.
Protein change: p.Asp262Ala; replaces aspartic acid 262 with alanine.
Molecular consequence: missense variant.
Genome position (GRCh38, 1-based): chr19:13,359,799, T>G on the plus strand (A>C on the coding strand, the complement: CACNA1A is on the minus strand). VCF-style: chr19-13359799-T-G. GRCh37 (hg19) VCF-style: chr19-13470613-T-G.
Other names: c.785A>C, p.Asp262Ala (NM_000068.4, NM_001127221.2, NM_001174080.2 and 1 more transcripts); short protein forms D262A.
Identifiers: ClinVar variation 3602541 (VCV003602541.4).